The following is an entry in ClinVar:

ClinVar aggregate classification (germline): Pathogenic (1 of 4 stars; one submission).

Submission:

Labcorp Genetics (formerly Invitae), Labcorp
Classification: Pathogenic. Last evaluated: 2024-08-27. Review status: criteria provided, single submitter. Criteria: Invitae Variant Classification Sherloc (09022015). Collection method: clinical testing. Allele origin: germline.
Comment: This sequence change creates a premature translational stop signal (p.Asp99Glufs*47) in the LZTR1 gene. It is expected to result in an absent or disrupted protein product. Loss-of-function variants in LZTR1 are known to be pathogenic (PMID: 24362817, 25335493, 25480913, 25795793, 29469822, 30368668, 30442762, 30442766, 30481304, 30859559). This variant is not present in population databases (gnomAD no frequency). This variant has not been reported in the literature in individuals affected with LZTR1-related conditions. For these reasons, this variant has been classified as Pathogenic.

Literature cited by the submitters: PubMed 24362817; PubMed 25335493; PubMed 25480913; PubMed 25795793; PubMed 29469822; PubMed 30368668; PubMed 30442762; PubMed 30442766; PubMed 30481304; PubMed 30859559.

NM_006767.4(LZTR1):c.296dup (p.Asp99fs)

Gene: LZTR1 (leucine zipper like post translational regulator 1; plus strand). Cytogenetic location: 22q11.21.
Variant type: Duplication.
Coding change: c.296dup on transcript NM_006767.4 (MANE Select); coding-DNA position 296, one base duplicated (A; older notation c.296dupA).
Protein change: p.Asp99fs; shifts the reading frame from aspartic acid 99.
Molecular consequence: frameshift variant.
Genome position (GRCh38, 1-based): chr22:20,985,873, A duplicated. VCF-style (leftmost placement, unchanged base first): chr22-20985872-G-GA. GRCh37 (hg19) VCF-style: chr22-21340161-G-GA.
Other names: short protein forms D99fs.
Identifiers: ClinVar variation 3676587 (VCV003676587.2).
Genomic context (GRCh38, chr22:20,985,872, plus strand): 5'-TGCCACCCTCTCTTCCGGCTGCCTTTCAGGAAGACCATGCTCAATGACCTCCTGCGGTTC[G>GA]ATGTGAAAGACTGCTCCTGGTGCAGGTGGGTGGCCCCGTGCTCCAGGGCCCTGCCTTTCC-3'